The following is an entry in ClinVar:

ClinVar aggregate classification (germline): Uncertain significance (1 of 4 stars; one submission).

Submission:

GeneDx
Classification: Uncertain significance. Last evaluated: 2023-11-18. Review status: criteria provided, single submitter. Criteria: GeneDx Variant Classification Process June 2021. Collection method: clinical testing. Allele origin: germline. Affected: yes.
Comment: Not observed at significant frequency in large population cohorts (gnomAD); In silico analysis supports that this missense variant has a deleterious effect on protein structure/function; Has not been previously published as pathogenic or benign to our knowledge

NM_001370466.1(NOD2):c.91G>C (p.Asp31His)

Gene: NOD2 (nucleotide binding oligomerization domain containing 2; plus strand). Cytogenetic location: 16q12.1.
Variant type: single nucleotide variant.
Coding change: c.91G>C on transcript NM_001370466.1 (MANE Select); coding-DNA position 91, G replaced by C.
Protein change: p.Asp31His; replaces aspartic acid 31 with histidine.
Molecular consequence: missense variant. On other transcripts: non-coding transcript variant (1).
Genome position (GRCh38, 1-based): chr16:50,699,586, G>C. VCF-style: chr16-50699586-G-C. GRCh37 (hg19) VCF-style: chr16-50733497-G-C.
Other names: c.91G>C, p.Asp31His (NM_001293557.2); c.172G>C, p.Asp58His (NM_022162.3); short protein forms D31H, D58H.
Identifiers: ClinVar variation 3364670 (VCV003364670.1).